The following is an entry in ClinVar:

NM_182961.4(SYNE1):c.4257G>T (p.Gln1419His)

Gene: SYNE1 (spectrin repeat containing nuclear envelope protein 1; minus strand). Cytogenetic location: 6q25.2.
Variant type: single nucleotide variant.
Coding change: c.4257G>T on transcript NM_182961.4 (MANE Select); coding-DNA position 4257, G replaced by T.
Protein change: p.Gln1419His; replaces glutamine 1419 with histidine.
Molecular consequence: missense variant.
Genome position (GRCh38, 1-based): chr6:152,435,994, C>A on the plus strand (G>T on the coding strand, the complement: SYNE1 is on the minus strand). VCF-style: chr6-152435994-C-A. GRCh37 (hg19) VCF-style: chr6-152757129-C-A.
Other names: c.4278G>T, p.Gln1426His (NM_033071.5); short protein forms Q1419H, Q1426H.
Identifiers: ClinVar variation 593300 (VCV000593300.36), dbSNP rs142705233, ClinGen allele CA4058609.
Genomic context (GRCh38, chr6:152,435,994, plus strand): 5'-CACATACTCTTCTTCAAGCGTGTCTTCTAATTTTTTGACTTGTTCTTTGATTGACTTGGC[C>A]TGCTGTTGAAGCAGCTGCTTATTTTGGGGCCCAAGCGGTATCTCTGAAGCTTCCTTTACA-3'
Protein context (NP_892006.3, residues 1409-1429): GPQNKQLLQQ[Gln1419His]AKSIKEQVKK

ClinVar aggregate classification (germline): Uncertain significance. Review status: criteria provided, multiple submitters, no conflicts (2 of 4 stars). 3 submissions from 3 submitters: Uncertain significance (3). Last evaluated 2024-02-17.

Conditions:
Emery-Dreifuss muscular dystrophy 4, autosomal dominant (EDMD4). Also called: EMERY-DREIFUSS MUSCULAR DYSTROPHY 4 WITH VARIABLE FEATURES. Identifiers: Orphanet 261, MedGen C2751807, MONDO:0013071, OMIM 612998.
Autosomal recessive ataxia, Beauce type. Also called: SYNE1 Deficiency; SYNE1-Related Autosomal Recessive Cerebellar Ataxia; Spinocerebellar ataxia, autosomal recessive 8; ATAXIA, RECESSIVE, OF BEAUCE. Identifiers: Orphanet 88644, MedGen C1853116, MONDO:0012549, OMIM 610743.

Allele frequency attached by ClinVar (database versions not stated): ExAC 0.00001; gnomAD exomes 0.00002; gnomAD 0.00003; TOPMed 0.00004.

Submissions (3):

Labcorp Genetics (formerly Invitae), Labcorp
Classification: Uncertain significance for Emery-Dreifuss muscular dystrophy 4, autosomal dominant; Autosomal recessive ataxia, Beauce type. Last evaluated: 2024-02-17. Review status: criteria provided, single submitter. Criteria: Invitae Variant Classification Sherloc (09022015). Collection method: clinical testing. Allele origin: germline.
Comment: This sequence change replaces glutamine, which is neutral and polar, with histidine, which is basic and polar, at codon 1426 of the SYNE1 protein (p.Gln1426His). This variant is present in population databases (rs142705233, gnomAD 0.004%). This variant has not been reported in the literature in individuals affected with SYNE1-related conditions. ClinVar contains an entry for this variant (Variation ID: 593300). An algorithm developed to predict the effect of missense changes on protein structure and function (PolyPhen-2) suggests that this variant is likely to be disruptive. In summary, the available evidence is currently insufficient to determine the role of this variant in disease. Therefore, it has been classified as a Variant of Uncertain Significance.

CeGaT Center for Human Genetics Tuebingen
Classification: Uncertain significance. Last evaluated: 2024-02-01. Review status: criteria provided, single submitter. Criteria: CeGaT Center For Human Genetics Tuebingen Variant Classification Criteria Version 2. Collection method: clinical testing. Allele origin: germline. Affected: yes. Observed: 2 variant alleles.
Comment: SYNE1: PM2

Eurofins Ntd Llc (ga)
Classification: Uncertain significance. Last evaluated: 2017-07-21. Review status: criteria provided, single submitter. Criteria: EGL Classification Definitions 2015. Collection method: clinical testing. Allele origin: germline. Observed: 1 variant allele, 1 heterozygote.